The following is an entry in ClinVar:

ClinVar aggregate classification (germline): Benign (1 of 4 stars; one submission).

Allele frequency attached by ClinVar (database versions not stated): gnomAD exomes 0.00006 and 0.00011; TOPMed 0.00009; gnomAD 0.00010 and 0.00014; ExAC 0.00015; 1000 Genomes Project 30x 0.00094; 1000 Genomes Project 0.00100.
gnomAD v4.1: 126 of 1,612,574 alleles (0.0078%); highest among the groups gnomAD compares: East Asian, 0.062%; no homozygotes.

Submission:

CeGaT Center for Human Genetics Tuebingen
Classification: Benign. Last evaluated: 2022-07-01. Review status: criteria provided, single submitter. Criteria: CeGaT Center For Human Genetics Tuebingen Variant Classification Criteria Version 2. Collection method: clinical testing. Allele origin: germline. Affected: yes. Observed: 2 variant alleles.
Comment: CLIP2: BS1, BS2

NM_003388.5(CLIP2):c.2670C>T (p.Asp890=)

Gene: CLIP2 (CAP-Gly domain containing linker protein 2; plus strand). Cytogenetic location: 7q11.23.
Variant type: single nucleotide variant.
Coding change: c.2670C>T on transcript NM_003388.5 (MANE Select); coding-DNA position 2670, C replaced by T.
Protein change: p.Asp890=; no amino-acid change (aspartic acid 890 retained).
Molecular consequence: synonymous variant.
Genome position (GRCh38, 1-based): chr7:74,389,209, C>T. VCF-style: chr7-74389209-C-T. GRCh37 (hg19) VCF-style: chr7-73803539-C-T.
Other names: c.2565C>T, p.Asp855= (NM_032421.3).
Identifiers: ClinVar variation 1299073 (VCV001299073.35), dbSNP rs111934854, ClinGen allele CA4296142.